The following is an entry in ClinVar:

ClinVar aggregate classification (germline): Uncertain significance (1 of 4 stars; one submission).

Conditions:
Immunodeficiency 14 (IMD14A). Also called: IMMUNODEFICIENCY 14A WITH LYMPHOPROLIFERATION, AUTOSOMAL DOMINANT; p110-DELTA-ACTIVATING MUTATION CAUSING SENESCENT T CELLS, LYMPHADENOPATHY, AND IMMUNODEFICIENCY; ACTIVATED PI3K-DELTA SYNDROME 1; Activated PI3K Delta Syndrome Type 1 (APDS1). Identifiers: Orphanet 397596, Orphanet 693661, MedGen C5907821, MONDO:0014222, OMIM 615513.

Submission:

Labcorp Genetics (formerly Invitae), Labcorp
Classification: Uncertain significance for Activated PI3K-delta syndrome. Last evaluated: 2024-06-08. Review status: criteria provided, single submitter. Criteria: Invitae Variant Classification Sherloc (09022015). Collection method: clinical testing. Allele origin: germline.
Comment: This sequence change falls in intron 13 of the PIK3CD gene. It does not directly change the encoded amino acid sequence of the PIK3CD protein. It affects a nucleotide within the consensus splice site. This variant is not present in population databases (gnomAD no frequency). This variant has not been reported in the literature in individuals affected with PIK3CD-related conditions. Variants that disrupt the consensus splice site are a relatively common cause of aberrant splicing (PMID: 17576681, 9536098). Algorithms developed to predict the effect of sequence changes on RNA splicing suggest that this variant is not likely to affect RNA splicing. In summary, the available evidence is currently insufficient to determine the role of this variant in disease. Therefore, it has been classified as a Variant of Uncertain Significance.

Literature cited by the submitters: PubMed 17576681; PubMed 9536098.

NM_005026.5(PIK3CD):c.1689+4G>C

Gene: PIK3CD (phosphatidylinositol-4,5-bisphosphate 3-kinase catalytic subunit delta; plus strand). Cytogenetic location: 1p36.22.
Variant type: single nucleotide variant.
Coding change: c.1689+4G>C on transcript NM_005026.5 (MANE Select); 4 bases into the intron after coding-DNA position 1689, G replaced by C.
Molecular consequence: intron variant.
Genome position (GRCh38, 1-based): chr1:9,720,913, G>C. VCF-style: chr1-9720913-G-C. GRCh37 (hg19) VCF-style: chr1-9780971-G-C.
Other names: c.1686+4G>C (NM_001350234.2); c.1602+4G>C (NM_001350235.1).
Identifiers: ClinVar variation 3669377 (VCV003669377.2).
Genomic context (GRCh38, chr1:9,720,913, plus strand): 5'-GCGCTAGCCCGGCTGCTGCTGGTCACCAAGTGGAACAAGCATGAGGATGTGGCCCAGGTG[G>C]GTGGGGAGGCGCACCTGGGGGCGGAGCTGGGGGCAGACCACAGCCTCTGGCTACCCACCA-3'